The following is an entry in ClinVar:

ClinVar aggregate classification (germline): Uncertain significance (1 of 4 stars; one submission).

Conditions:
Dilated cardiomyopathy 1G (CMD1G). Identifiers: Orphanet 154, MedGen C1858763, MONDO:0011400, OMIM 604145.
Autosomal recessive limb-girdle muscular dystrophy type 2J (LGMDR10). Also called: Limb-girdle muscular dystrophy, type 2J; MUSCULAR DYSTROPHY, LIMB-GIRDLE, AUTOSOMAL RECESSIVE 10. Identifiers: Orphanet 140922, MedGen C1837342, MONDO:0012127, OMIM 608807.

Submission:

Labcorp Genetics (formerly Invitae), Labcorp
Classification: Uncertain significance for Dilated cardiomyopathy 1G; Autosomal recessive limb-girdle muscular dystrophy type 2J. Last evaluated: 2025-02-26. Review status: criteria provided, single submitter. Criteria: Invitae Variant Classification Sherloc (09022015). Collection method: clinical testing. Allele origin: germline.
Comment: This sequence change replaces glutamic acid, which is acidic and polar, with lysine, which is basic and polar, at codon 34223 of the TTN protein (p.Glu34223Lys). This variant is not present in population databases (gnomAD no frequency). This variant has not been reported in the literature in individuals affected with TTN-related conditions. Experimental studies and prediction algorithms are not available or were not evaluated, and the functional significance of this variant is currently unknown. This variant is located in the M band of TTN (PMID: 25589632). Non-truncating variants in this region may be relevant for neuromuscular disorders, but have not been definitively shown to cause cardiomyopathy (PMID: 23975875). In summary, the available evidence is currently insufficient to determine the role of this variant in disease. Therefore, it has been classified as a Variant of Uncertain Significance.

Literature cited by the submitters: PubMed 25589632; PubMed 23975875.

NM_001267550.2(TTN):c.102667G>A (p.Glu34223Lys)

Genes: TTN (titin; minus strand), TTN-AS1 (TTN antisense RNA 1; plus strand). Cytogenetic location: 2q31.2.
Variant type: single nucleotide variant.
Coding change: c.102667G>A on transcript NM_001267550.2 (MANE Select); coding-DNA position 102667, G replaced by A.
Protein change: p.Glu34223Lys; replaces glutamic acid 34223 with lysine.
Molecular consequence: missense variant.
Genome position (GRCh38, 1-based): chr2:178,533,948, C>T on the plus strand (G>A on the coding strand, the complement: TTN is on the minus strand). VCF-style: chr2-178533948-C-T. GRCh37 (hg19) VCF-style: chr2-179398675-C-T.
Other names: c.97744G>A, p.Glu32582Lys (NM_001256850.1); c.75472G>A, p.Glu25158Lys (NM_003319.4); c.94963G>A, p.Glu31655Lys (NM_133378.4); c.75847G>A, p.Glu25283Lys (NM_133432.3); c.76048G>A, p.Glu25350Lys (NM_133437.4); short protein forms E25158K, E25283K, E25350K, E31655K, E32582K, E34223K.
Identifiers: ClinVar variation 4784213 (VCV004784213.1).